The following is an entry in ClinVar:

NM_006231.4(POLE):c.1327G>A (p.Asp443Asn)

Gene: POLE (DNA polymerase epsilon, catalytic subunit; minus strand). Cytogenetic location: 12q24.33.
Variant type: single nucleotide variant.
Coding change: c.1327G>A on transcript NM_006231.4 (MANE Select); coding-DNA position 1327, G replaced by A.
Protein change: p.Asp443Asn; replaces aspartic acid 443 with asparagine.
Molecular consequence: missense variant.
Genome position (GRCh38, 1-based): chr12:132,673,607, C>T on the plus strand (G>A on the coding strand, the complement: POLE is on the minus strand). VCF-style: chr12-132673607-C-T. GRCh37 (hg19) VCF-style: chr12-133250193-C-T.
Other names: short protein forms D443N.
Identifiers: ClinVar variation 1770039 (VCV001770039.3), dbSNP rs2135999432, ClinGen allele CA387359254.

ClinVar aggregate classification (germline): Uncertain significance. Review status: criteria provided, multiple submitters, no conflicts (2 of 4 stars). 2 submissions from 2 submitters: Uncertain significance (2). Last evaluated 2025-03-11.

Conditions:
Hereditary cancer-predisposing syndrome. Also called: Hereditary Cancer Syndrome; Hereditary neoplastic syndrome; Neoplastic Syndromes, Hereditary; Tumor predisposition. Identifiers: Orphanet 140162, MedGen C0027672, MeSH D009386, MONDO:0015356.

Allele frequency attached by ClinVar (database versions not stated): gnomAD exomes below 0.00001.
gnomAD v4.1: 1 of 1,613,616 alleles (0.000062%); highest among the groups gnomAD compares: Non-Finnish European, 0.000085%; no homozygotes.

Submissions (2):

Labcorp Genetics (formerly Invitae), Labcorp
Classification: Uncertain significance. Last evaluated: 2025-03-11. Review status: criteria provided, single submitter. Criteria: Invitae Variant Classification Sherloc (09022015). Collection method: clinical testing. Allele origin: germline.
Comment: This sequence change replaces aspartic acid, which is acidic and polar, with asparagine, which is neutral and polar, at codon 443 of the POLE protein (p.Asp443Asn). This variant is not present in population databases (gnomAD no frequency). This variant has not been reported in the literature in individuals affected with POLE-related conditions. ClinVar contains an entry for this variant (Variation ID: 1770039). Invitae Evidence Modeling of protein sequence and biophysical properties (such as structural, functional, and spatial information, amino acid conservation, physicochemical variation, residue mobility, and thermodynamic stability) indicates that this missense variant is not expected to disrupt POLE protein function with a negative predictive value of 80%. In summary, the available evidence is currently insufficient to determine the role of this variant in disease. Therefore, it has been classified as a Variant of Uncertain Significance.

Ambry Genetics
Classification: Uncertain significance for Hereditary cancer-predisposing syndrome. Last evaluated: 2022-02-05. Review status: criteria provided, single submitter. Criteria: Ambry Variant Classification Scheme 2023. Collection method: clinical testing. Allele origin: germline.
Comment: The p.D443N variant (also known as c.1327G>A), located in coding exon 13 of the POLE gene, results from a G to A substitution at nucleotide position 1327. The aspartic acid at codon 443 is replaced by asparagine, an amino acid with highly similar properties. This amino acid position is conserved. In addition, this alteration is predicted to be tolerated by in silico analysis. Since supporting evidence is limited at this time, the clinical significance of this alteration remains unclear.